The following is an entry in ClinVar:

ClinVar aggregate classification (germline): Likely pathogenic. Review status: reviewed by expert panel (3 of 4 stars). 4 submissions from 4 submitters: Likely pathogenic (1). 3 of the submissions do not count toward it. Last evaluated 2023-05-23.

Conditions:
Very long chain acyl-CoA dehydrogenase deficiency (ACADVLD). Also called: VLCAD Deficiency; Very Long-Chain Acyl-Coenzyme A Dehydrogenase Deficiency. Identifiers: Orphanet 26793, MedGen C3887523, MONDO:0008723, OMIM 201475.

gnomAD v4.1: 1 of 1,614,140 alleles (0.000062%); highest among the groups gnomAD compares: African/African-American, 0.0013%; no homozygotes.

Submissions (5):

ClinGen ACADVL Variant Curation Expert Panel, ClinGen
Classification: Likely pathogenic for Very long chain acyl-CoA dehydrogenase deficiency. Last evaluated: 2023-05-23. Review status: reviewed by expert panel. Criteria: clingen acadvl acmg specifications v1. Collection method: curation. Allele origin: germline. Inheritance: Autosomal recessive inheritance.
Comment: The NM_000018.4(ACADVL):c.753-2A>G variant in ACADVL occurs within the canonical splice acceptor site (-2) of intron 8. It is predicted to cause skipping of biologically-relevant-exon 9/20, resulting in an in-frame deletion (removes amino acids Ser-His) that is predicted to escape nonsense mediated decay and remove <10% of the protein (PVS1_Moderate; PMIDs 9973285, 11590124). However, a different nucleotide change at the same position within the canonical splice acceptor site of intron 8 [c.753-2A>C; ClinVar ID: 92290] is classified as likely pathogenic for very long chain acyl CoA dehydrogenase (VLCAD) deficiency by the ClinGen ACADVL Variant Curation Expert Panel (PS1). At least one individual with this variant was identified by newborn screen, but this information is insufficient for to use toward classification (PMID: 26385305). This variant is absent from gnomAD v2.1.1 (PM2_Supporting). Due to conflicting evidence, this variant is classified as a variant of uncertain significance for autosomal recessive very long chain acyl-CoA dehydrogenase (VLCAD) deficiency based on the ACMG/AMP criteria applied, as specified by the ClinGen ACADVL Variant Curation Expert Panel: PS1, PVS1_Moderate, PM2_Supporting.

Natera, Inc.
Classification: Pathogenic for Very long chain acyl-CoA dehydrogenase deficiency. Last evaluated: 2024-09-24. Review status: criteria provided, single submitter. Criteria: Natera Variant Classification Schema (03/2026). Collection method: clinical testing. Allele origin: germline. Not counted in ClinVar's aggregate classification.
Comment: The c.753-2A>G variant in ACADVL is a canonical splice acceptor site variant predicted to affect pre-mRNA splicing, which may result in an abnormal transcript and altered protein product. This variant is expected to result in nonsense mediated decay, truncation, or a dysfunctional protein product. This variant is rare in the general population with a frequency below the threshold expected for the associated phenotype(s). Another variant at this same site results in an alteration predicted to cause a similar molecular effect has been observed in individual(s) with the associated phenotype. Given the available evidence, this variant is classified as Pathogenic.

Baylor Genetics
Classification: Pathogenic for Very long chain acyl-CoA dehydrogenase deficiency. Last evaluated: 2023-02-04. Review status: criteria provided, single submitter. Criteria: ACMG Guidelines, 2015. Collection method: clinical testing. Allele origin: unknown. Not counted in ClinVar's aggregate classification.

Wong Mito Lab, Molecular and Human Genetics, Baylor College of Medicine
Classification: Pathogenic for Very long chain acyl-CoA dehydrogenase deficiency. Last evaluated: 2019-11-01. Review status: criteria provided, single submitter. Criteria: ACMG Guidelines, 2015. Collection method: clinical testing. Allele origin: germline. Not counted in ClinVar's aggregate classification.
Comment: The NM_000018.3:c.753-2A>G (NP_000009.1:p.?) [GRCH38: NC_000017.11:g.7222175A>G] variant in ACADVL gene is interpretated to be Pathogenic based on ACMG guidelines (PMID: 25741868). This variant has been reported. This variant meets the following evidence codes reported in the ACMG guidelines: PVS1, PS3

Dr. Peter K. Rogan Lab, Western University
No classification provided (evidence only). Condition: Cervical cancer. Review status: no classification provided. Collection method: in vitro. Allele origin: not applicable. Functional consequence: skipped exon, retained intron. Not counted in ClinVar's aggregate classification.

NM_000018.4(ACADVL):c.753-2A>G

Gene: ACADVL (acyl-CoA dehydrogenase very long chain; plus strand). Cytogenetic location: 17p13.1.
Variant type: single nucleotide variant.
Coding change: c.753-2A>G on transcript NM_000018.4 (MANE Select); the canonical splice acceptor site of the intron before coding-DNA position 753, A replaced by G.
Molecular consequence: splice acceptor variant.
Genome position (GRCh38, 1-based): chr17:7,222,175, A>G. VCF-style: chr17-7222175-A-G. GRCh37 (hg19) VCF-style: chr17-7125494-A-G.
Other names: NC_000017.10:g.7125494A>G; c.822-2A>G (NM_001270447.2); c.525-2A>G (NM_001270448.2); c.687-2A>G (NM_001033859.3).
Identifiers: ClinVar variation 932844 (VCV000932844.6), dbSNP rs398123092, ClinGen allele CA397723611.